The following is an entry in ClinVar:

NM_025099.6(CTC1):c.1480C>T (p.His494Tyr)

Gene: CTC1 (CST telomere replication complex component 1; minus strand). Cytogenetic location: 17p13.1.
Variant type: single nucleotide variant.
Coding change: c.1480C>T on transcript NM_025099.6 (MANE Select); coding-DNA position 1480, C replaced by T.
Protein change: p.His494Tyr; replaces histidine 494 with tyrosine.
Molecular consequence: missense variant. On other transcripts: non-coding transcript variant (1).
Genome position (GRCh38, 1-based): chr17:8,234,886, G>A on the plus strand (C>T on the coding strand, the complement: CTC1 is on the minus strand). VCF-style: chr17-8234886-G-A. GRCh37 (hg19) VCF-style: chr17-8138204-G-A.
Other names: c.1480C>T, p.His494Tyr (NM_001411067.1); short protein forms H494Y.
Identifiers: ClinVar variation 2891141 (VCV002891141.3), dbSNP rs759036446, ClinGen allele CA8372333.

ClinVar aggregate classification (germline): Uncertain significance (1 of 4 stars; one submission).

Conditions:
Dyskeratosis congenita. Identifiers: Orphanet 1775, MedGen C0265965, MONDO:0015780.

Allele frequency attached by ClinVar (database versions not stated): gnomAD exomes below 0.00001; ExAC 0.00001; TOPMed 0.00001.
gnomAD v4.1: 2 of 1,610,626 alleles (0.00012%); highest among the groups gnomAD compares: Admixed American, 0.0034%; no homozygotes.

Submission:

Labcorp Genetics (formerly Invitae), Labcorp
Classification: Uncertain significance for Dyskeratosis congenita. Last evaluated: 2024-07-15. Review status: criteria provided, single submitter. Criteria: Invitae Variant Classification Sherloc (09022015). Collection method: clinical testing. Allele origin: germline.
Comment: This sequence change replaces histidine, which is basic and polar, with tyrosine, which is neutral and polar, at codon 494 of the CTC1 protein (p.His494Tyr). This variant is present in population databases (rs759036446, gnomAD 0.006%). This variant has not been reported in the literature in individuals affected with CTC1-related conditions. An algorithm developed to predict the effect of missense changes on protein structure and function outputs the following: PolyPhen-2: "Benign". The tyrosine amino acid residue is found in multiple mammalian species, which suggests that this missense change does not adversely affect protein function. In summary, the available evidence is currently insufficient to determine the role of this variant in disease. Therefore, it has been classified as a Variant of Uncertain Significance.